The following is an entry in ClinVar:

ClinVar aggregate classification (germline): Uncertain significance (1 of 4 stars; one submission).

Conditions:
Polyhydramnios, megalencephaly, and symptomatic epilepsy (PMSE). Also called: PMSE SYNDROME. Identifiers: Orphanet 500533, MedGen C1970203, MONDO:0012611, OMIM 611087.

gnomAD v4.1: 4 of 1,613,306 alleles (0.00025%); highest among the groups gnomAD compares: Non-Finnish European, 0.00034%; no homozygotes.

Submission:

Labcorp Genetics (formerly Invitae), Labcorp
Classification: Uncertain significance for Polyhydramnios, megalencephaly, and symptomatic epilepsy. Last evaluated: 2026-01-05. Review status: criteria provided, single submitter. Criteria: Invitae Variant Classification Sherloc (09022015). Collection method: clinical testing. Allele origin: germline.
Comment: This sequence change replaces arginine, which is basic and polar, with leucine, which is neutral and non-polar, at codon 10 of the STRADA protein (p.Arg10Leu). This variant is present in population databases (rs751121350, gnomAD 0.003%). This variant has not been reported in the literature in individuals affected with STRADA-related conditions. ClinVar contains an entry for this variant (Variation ID: 1927102). An algorithm developed to predict the effect of missense changes on protein structure and function (PolyPhen-2) suggests that this variant is likely to be tolerated. In summary, the available evidence is currently insufficient to determine the role of this variant in disease. Therefore, it has been classified as a Variant of Uncertain Significance.

NM_001003787.4(STRADA):c.29G>T (p.Arg10Leu)

Gene: STRADA (STE20 related adaptor alpha; minus strand). Cytogenetic location: 17q23.3.
Variant type: single nucleotide variant.
Coding change: c.29G>T on transcript NM_001003787.4 (MANE Select); coding-DNA position 29, G replaced by T.
Protein change: p.Arg10Leu; replaces arginine 10 with leucine.
Molecular consequence: missense variant. On other transcripts: 5 prime UTR variant (2), non-coding transcript variant (1), intron variant (5).
Genome position (GRCh38, 1-based): chr17:63,728,341, C>A on the plus strand (G>T on the coding strand, the complement: STRADA is on the minus strand). VCF-style: chr17-63728341-C-A. GRCh37 (hg19) VCF-style: chr17-61805701-C-A.
Other names: c.-117G>T (NM_001003788.3, NM_001363791.1); c.29G>T, p.Arg10Leu (NM_001165969.2, NM_001165970.2, NM_001363787.1 and 4 more transcripts); c.12+17G>T (NM_001363789.1, NM_001003786.3, NM_153335.6 and 1 more transcripts); c.-110+17G>T (NM_001363790.1); short protein forms R10L.
Identifiers: ClinVar variation 1927102 (VCV001927102.4), dbSNP rs751121350, ClinGen allele CA8703559.